The following is an entry in ClinVar:

NM_000038.6(APC):c.7865C>T (p.Pro2622Leu)

Gene: APC (APC regulator of Wnt signaling pathway; plus strand). Cytogenetic location: 5q22.2.
Variant type: single nucleotide variant.
Coding change: c.7865C>T on transcript NM_000038.6 (MANE Select); coding-DNA position 7865, C replaced by T.
Protein change: p.Pro2622Leu; replaces proline 2622 with leucine.
Molecular consequence: missense variant.
Genome position (GRCh38, 1-based): chr5:112,843,459, C>T. VCF-style: chr5-112843459-C-T. GRCh37 (hg19) VCF-style: chr5-112179156-C-T.
Other names: c.7865C>T, p.Pro2622Leu (NM_001127510.3, NM_001354895.2); c.7811C>T, p.Pro2604Leu (NM_001127511.3); c.7919C>T, p.Pro2640Leu (NM_001354896.2); c.7895C>T, p.Pro2632Leu (NM_001354897.2); c.7790C>T, p.Pro2597Leu (NM_001354898.2); c.7781C>T, p.Pro2594Leu (NM_001354899.2); c.7742C>T, p.Pro2581Leu (NM_001354900.2); c.7688C>T, p.Pro2563Leu (NM_001354901.2); and 5 more; short protein forms P2604L, P2622L, P2339L, P2521L, P2563L, P2581L, P2594L, P2632L.
Identifiers: ClinVar variation 75619 (VCV000075619.9), dbSNP rs267600320, ClinGen allele CA16038424.
Genomic context (GRCh38, chr5:112,843,459, plus strand): 5'-AAGAAAACCAAGTATCCGCAAAAGGAACATGGAGAAAAATAAAAGAAAATGAATTTTCTC[C>T]CACAAATAGTACTTCTCAGACCGTTTCCTCAGGTGCTACAAATGGTGCTGAATCAAAGAC-3'
Protein context (NP_000029.2, residues 2612-2632): WRKIKENEFS[Pro2622Leu]TNSTSQTVSS

ClinVar aggregate classification (germline): Uncertain significance. Review status: criteria provided, multiple submitters, no conflicts (2 of 4 stars). 3 submissions from 3 submitters: Uncertain significance (2). 1 of the submissions does not count toward it. Last evaluated 2023-05-08.

Conditions:
Familial adenomatous polyposis 1 (FAP1). Also called: POLYPOSIS, ADENOMATOUS INTESTINAL; FAMILIAL ADENOMATOUS POLYPOSIS 1, ATTENUATED. Identifiers: MedGen C2713442, MONDO:0021056, OMIM 175100. Disease mechanism: loss of function.

Allele frequency attached by ClinVar (database versions not stated): gnomAD exomes below 0.00001.
gnomAD v4.1: 12 of 1,613,720 alleles (0.00074%); highest among the groups gnomAD compares: Non-Finnish European, 0.00093%; no homozygotes.

Submissions (3):

Labcorp Genetics (formerly Invitae), Labcorp
Classification: Uncertain significance for Familial adenomatous polyposis 1. Last evaluated: 2023-05-08. Review status: criteria provided, single submitter. Criteria: Invitae Variant Classification Sherloc (09022015). Collection method: clinical testing. Allele origin: germline.
Comment: This sequence change replaces proline, which is neutral and non-polar, with leucine, which is neutral and non-polar, at codon 2622 of the APC protein (p.Pro2622Leu). In summary, the available evidence is currently insufficient to determine the role of this variant in disease. Therefore, it has been classified as a Variant of Uncertain Significance. Advanced modeling of protein sequence and biophysical properties (such as structural, functional, and spatial information, amino acid conservation, physicochemical variation, residue mobility, and thermodynamic stability) performed at Invitae indicates that this missense variant is not expected to disrupt APC protein function. ClinVar contains an entry for this variant (Variation ID: 75619). This variant has not been reported in the literature in individuals affected with APC-related conditions. This variant is present in population databases (rs267600320, gnomAD 0.0009%).

Myriad Genetics, Inc.
Classification: Uncertain significance for Familial adenomatous polyposis 1. Last evaluated: 2023-02-22. Review status: criteria provided, single submitter. Criteria: Myriad Autosomal Dominant, Autosomal Recessive and X-Linked Classification Criteria (2023). Collection method: clinical testing. Allele origin: unknown.
Comment: This variant is classified as a variant of uncertain significance as there is insufficient evidence to determine its impact on protein function and/or cancer risk.

Counsyl
Classification: Uncertain significance for Familial adenomatous polyposis 1. Last evaluated: 2017-03-30. Review status: no assertion criteria provided. Collection method: clinical testing. Allele origin: unknown. Not counted in ClinVar's aggregate classification.